The following is an entry in ClinVar:

ClinVar aggregate classification (germline): Likely benign (1 of 4 stars; one submission).

gnomAD v4.1: 2 of 1,613,182 alleles (0.00012%); highest among the groups gnomAD compares: African/African-American, 0.0027%; no homozygotes.

Submission:

CeGaT Center for Human Genetics Tuebingen
Classification: Likely benign. Last evaluated: 2026-06-01. Review status: criteria provided, single submitter. Criteria: CeGaT Center For Human Genetics Tuebingen Variant Classification Criteria Version 2. Collection method: clinical testing. Allele origin: germline. Affected: yes. Observed: 1 variant allele.
Comment: AGO1: BP4, BP7

NM_012199.5(AGO1):c.903T>G (p.Thr301=)

Genes: AGO1 (argonaute RISC component 1; plus strand), LOC126805695 (MED14-independent group 3 enhancer GRCh37_chr1:36359789-36360988; plus strand). Cytogenetic location: 1p34.3.
Variant type: single nucleotide variant.
Coding change: c.903T>G on transcript NM_012199.5 (MANE Select); coding-DNA position 903, T replaced by G.
Protein change: p.Thr301=; no amino-acid change (threonine 301 retained).
Molecular consequence: synonymous variant.
Genome position (GRCh38, 1-based): chr1:35,895,152, T>G. VCF-style: chr1-35895152-T-G. GRCh37 (hg19) VCF-style: chr1-36360753-T-G.
Other names: c.903T>G, p.Thr301= (NM_001317122.2); c.678T>G, p.Thr226= (NM_001317123.2).
Identifiers: ClinVar variation 4874328 (VCV004874328.2).